The following is an entry in ClinVar:

NM_004536.3(NAIP):c.569-263_668+1406del

Gene: NAIP (NLR family apoptosis inhibitory protein). Cytogenetic location: 5q13.2.
Variant type: Deletion.
Coding change: c.569-263_668+1406del on transcript NM_004536.3 (MANE Select); 263 bases into the intron before coding-DNA position 569 through 1406 bases into the intron after coding-DNA position 668, this stretch deleted.
Molecular consequence: splice acceptor variant, splice donor variant. On other transcripts: intron variant (1).
Genome position: GRCh38: chr5:71,009,869-71,011,637. GRCh37 (hg19): chr5:70,305,696-70,307,464.
Other names: c.183-7780_183-6012del (NM_022892.2); c.569-263_668+1406del (NM_001346870.2).
Identifiers: ClinVar variation 156975 (VCV000156975.2), ClinGen allele CA212117.

ClinVar aggregate classification (germline): not provided. Review status: no classification provided (0 of 4 stars). 3 submissions from 1 submitter: not provided (3).

Conditions:
Normal pregnancy. Identifiers: MedGen C0232989.
Gestational diabetes mellitus uncontrolled. Identifiers: MedGen C3532257.
Large for gestational age. Identifiers: MedGen C1848395, HP:0001520.

Submissions (3):

Institute of Molecular and Cell Biology, University of Tartu
No classification provided. Condition: Normal pregnancy. Review status: no classification provided. Collection method: case-control. Allele origin: unknown. Affected: yes. Study: Kasak2014.
Comment: The study aimed to determine the contribution of copy number variants in the genetic etiology of normal and complicated pregnancies. The samples represented (i) maternal blood DNA drawn from healthy pregnant women during 1st or 2nd trimester and (ii) maternal and paternal blood DNA drawn at term pregnancy cases representing normal and complicated gestations (severe preeclampsia, PE; gestational diabetes, GD; small-for-gestational age newborn, SGA; large-for-gestational age newborn, LGA). We performed CNV calling based on genome-wide genotyping dataset (Illumina HumanOmniExpress-24-v1 BeadChip) by applying three algorithms, QuantiSNP, GADA (Genome Alteration Detection Algorithm) and CNstream in parallel. The acquired CNV calls were merged with HD-CNV (Hotspot Detector for Copy Number Variants) program and only the CNVs predicted by at least two programs, were considered in subsequent analysis.

Institute of Molecular and Cell Biology, University of Tartu
No classification provided. Condition: Large for gestational age. Review status: no classification provided. Collection method: case-control. Allele origin: unknown. Affected: yes. Study: Kasak2014.
Comment: the same text as in the submission from Institute of Molecular and Cell Biology, University of Tartu above.

Institute of Molecular and Cell Biology, University of Tartu
No classification provided. Condition: Gestational diabetes mellitus uncontrolled. Review status: no classification provided. Collection method: case-control. Allele origin: unknown. Affected: yes. Study: Kasak2014.
Comment: the same text as in the submission from Institute of Molecular and Cell Biology, University of Tartu above.

Literature cited by the submitters: PubMed 25666259.